The following is an entry in ClinVar:

NM_000059.4(BRCA2):c.7471C>T (p.Gln2491Ter)

Gene: BRCA2 (BRCA2 DNA repair associated; plus strand). Cytogenetic location: 13q13.1.
Variant type: single nucleotide variant.
Coding change: c.7471C>T on transcript NM_000059.4 (MANE Select); coding-DNA position 7471, C replaced by T.
Protein change: p.Gln2491Ter; replaces glutamine 2491 with a stop codon.
Molecular consequence: nonsense.
Genome position (GRCh38, 1-based): chr13:32,356,463, C>T. VCF-style: chr13-32356463-C-T. GRCh37 (hg19) VCF-style: chr13-32930600-C-T.
Other names: short protein forms Q2491*.
Identifiers: ClinVar variation 52339 (VCV000052339.22), dbSNP rs80358971, ClinGen allele CA025106.

ClinVar aggregate classification (germline): Pathogenic. Review status: reviewed by expert panel (3 of 4 stars). 9 submissions from 9 submitters: Pathogenic (1). 8 of the submissions do not count toward it. Last evaluated 2016-09-08.

Conditions:
Hereditary breast ovarian cancer syndrome. Also called: Hereditary breast and ovarian cancer syndrome; Hereditary breast and ovarian cancer; Hereditary breast and ovarian cancer syndrome (HBOC); Breast and ovarian cancer; Hereditary breast and/or ovarian cancer syndrome; BRCA1- and BRCA2-Associated Hereditary Breast and Ovarian Cancer. Identifiers: Orphanet 145, MedGen C0677776, MeSH D061325, MONDO:0003582. Disease mechanism: loss of function.
Malignant tumor of breast. Also called: Malignant breast neoplasm; Cancer breast. Identifiers: MedGen C0006142, MONDO:0007254. Disease mechanism: loss of function.
Hereditary cancer-predisposing syndrome. Also called: Neoplastic Syndromes, Hereditary; Tumor predisposition; Hereditary neoplastic syndrome; Hereditary Cancer Syndrome. Identifiers: Orphanet 140162, MedGen C0027672, MeSH D009386, MONDO:0015356.
Breast-ovarian cancer, familial, susceptibility to, 2 (BROVCA2). Also called: BRCA2 Hereditary Breast and Ovarian Cancer. Identifiers: Orphanet 145, MedGen C2675520, MONDO:0012933, OMIM 612555. Disease mechanism: loss of function.
Familial cancer of breast. Also called: BREAST CANCER, FAMILIAL; Hereditary breast cancer; hereditary breast carcinoma. Identifiers: Orphanet 227535, MedGen C0346153, MONDO:0016419, OMIM 114480. Disease mechanism: loss of function.

Allele frequency attached by ClinVar (database versions not stated): gnomAD exomes below 0.00001; TOPMed below 0.00001.
gnomAD v4.1: 2 of 1,614,010 alleles (0.00012%); highest among the groups gnomAD compares: South Asian, 0.0011%; no homozygotes.

Submissions (9):

Evidence-based Network for the Interpretation of Germline Mutant Alleles (ENIGMA)
Classification: Pathogenic for Breast-ovarian cancer, familial, susceptibility to, 2. Last evaluated: 2016-09-08. Review status: reviewed by expert panel. Criteria: ENIGMA BRCA1/2 Classification Criteria (2015). Collection method: curation. Allele origin: germline.
Comment: Variant allele predicted to encode a truncated non-functional protein.

Baylor Genetics
Classification: Pathogenic for Familial cancer of breast. Last evaluated: 2023-12-15. Review status: criteria provided, single submitter. Criteria: ACMG Guidelines, 2015. Collection method: clinical testing. Allele origin: unknown. Not counted in ClinVar's aggregate classification.

Ambry Genetics
Classification: Pathogenic for Hereditary cancer-predisposing syndrome. Last evaluated: 2023-02-22. Review status: criteria provided, single submitter. Criteria: Ambry Variant Classification Scheme 2023. Collection method: clinical testing. Allele origin: germline. Not counted in ClinVar's aggregate classification.
Comment: The p.Q2491* pathogenic mutation (also known as c.7471C>T), located in coding exon 14 of the BRCA2 gene, results from a C to T substitution at nucleotide position 7471. This changes the amino acid from a glutamine to a stop codon within coding exon 14. This alteration has been reported in one Czech high-risk breast and/or ovarian cancer family (Machackova E et al. BMC Cancer. 2008 May;8:140). It has also been identified in 1/119 Chinese high-risk breast and/or ovarian cancer patients (Kwong A et al. Breast Cancer Res. Treat. 2009 Oct;117:683-6). Of note, this alteration is also designated as 7699C>T in published literature. In addition to the clinical data presented in the literature, this alteration is expected to result in loss of function by premature protein truncation or nonsense-mediated mRNA decay. As such, this alteration is interpreted as a disease-causing mutation.

MGZ Medical Genetics Center
Classification: Pathogenic for Breast-ovarian cancer, familial, susceptibility to, 2. Last evaluated: 2021-12-20. Review status: criteria provided, single submitter. Criteria: ACMG Guidelines, 2015. Collection method: clinical testing. Allele origin: germline. Affected: yes. Observed: 1 variant allele. Not counted in ClinVar's aggregate classification.
Comment: ACMG criteria applied: PVS1, PM2_SUP, PP3

Labcorp Genetics (formerly Invitae), Labcorp
Classification: Pathogenic for Hereditary breast ovarian cancer syndrome. Last evaluated: 2021-07-31. Review status: criteria provided, single submitter. Criteria: Invitae Variant Classification Sherloc (09022015). Collection method: clinical testing. Allele origin: germline. Not counted in ClinVar's aggregate classification.
Comment: For these reasons, this variant has been classified as Pathogenic. Loss-of-function variants in BRCA2 are known to be pathogenic (PMID: 20104584). This variant has been reported in individuals affected with breast and/or ovarian cancer (PMID: 18489799, 22970155, 27157322, 29446198). This variant is also known as 7699C>T in the literature. ClinVar contains an entry for this variant (Variation ID: 52339). This variant is not present in population databases (ExAC no frequency). This sequence change creates a premature translational stop signal (p.Gln2491*) in the BRCA2 gene. It is expected to result in an absent or disrupted protein product.

Consortium of Investigators of Modifiers of BRCA1/2 (CIMBA), c/o University of Cambridge
Classification: Pathogenic for Breast-ovarian cancer, familial, susceptibility to, 2. Last evaluated: 2015-10-02. Review status: criteria provided, single submitter. Criteria: CIMBA Mutation Classification guidelines May 2016. Collection method: clinical testing. Allele origin: germline. Not counted in ClinVar's aggregate classification.

Research Molecular Genetics Laboratory, Women's College Hospital, University of Toronto
Classification: Pathogenic for Hereditary breast ovarian cancer syndrome. Last evaluated: 2014-01-31. Review status: no assertion criteria provided. Collection method: research. Allele origin: germline. Affected: yes. Study: The Canadian Open Genetics Repository (COGR). Not counted in ClinVar's aggregate classification.

Breast Cancer Information Core (BIC) (BRCA2)
No classification provided. Condition: Breast-ovarian cancer, familial 2. Review status: no classification provided. Collection method: clinical testing. Allele origin: germline, somatic. Affected: yes. Observed: 2 variant alleles. Not counted in ClinVar's aggregate classification.

Department of Pathology and Laboratory Medicine, Sinai Health System
Classification: Pathogenic for Malignant tumor of breast. Review status: no assertion criteria provided. Collection method: clinical testing. Allele origin: unknown. Affected: yes. Observed: 2 variant alleles. Study: The Canadian Open Genetics Repository (COGR). Not counted in ClinVar's aggregate classification.
Comment: The BRCA2 p.Gln2491* variant was identified in 2 of 1500 proband chromosomes (frequency: 0.001) from individuals or families with breast or ovarian cancer (Kwong 2012, Machackova 2008). The variant was also identified in dbSNP (ID: rs80358971) as "With Pathogenic allele", ClinVar (classified as pathogenic by ENIGMA, Ambry Genetics and three other submitters), COGR, LOVD 3.0 (4x ), UMD-LSDB (1x as causal), BIC Database (2x with clinical importance), ARUP Laboratories (definitely pathogenic), and in Zhejiang University Database. The variant was not identified in Cosmic, or MutDB databases. The variant was not identified in the following control databases: the Exome Aggregation Consortium (August 8th 2016), or the Genome Aggregation Database (Feb 27, 2017). The p.Gln2491* variant leads to a premature stop codon at position 2491 which is predicted to lead to a truncated or absent protein and loss of function. Loss of function variants of the BRCA2 gene are an established mechanism of disease in breast or ovarian cancer and is the type of variant expected to cause the disorder. In summary, based on the above information this variant meets our laboratoryâ€šÃ„Ã´s criteria to be classified as pathogenic.

Literature cited by the submitters: PubMed 18489799 (cited by 3 submitters); PubMed 19353265 (cited by Ambry Genetics); PubMed 20104584 (cited by Labcorp Genetics (formerly Invitae), Labcorp); PubMed 22970155 (cited by Labcorp Genetics (formerly Invitae), Labcorp and Department of Pathology and Laboratory Medicine, Sinai Health System); PubMed 27157322 (cited by Labcorp Genetics (formerly Invitae), Labcorp); PubMed 29446198 (cited by Labcorp Genetics (formerly Invitae), Labcorp).